The following is an entry in ClinVar:

ClinVar aggregate classification (germline): Benign. Review status: criteria provided, multiple submitters, no conflicts (2 of 4 stars). 8 submissions from 8 submitters: Benign (7). 1 of the submissions does not count toward it. Last evaluated 2025-04-25.

Conditions:
Polycystic kidney disease, adult type (PKD1). Also called: POLYCYSTIC KIDNEY DISEASE, ADULT, TYPE I; Polycystic Kidney Disease 1, Autosomal Dominant; Polycystic kidney disease 1; Polycystic kidney disease 1, severe; POLYCYSTIC KIDNEY DISEASE 1 WITH OR WITHOUT POLYCYSTIC LIVER DISEASE; Polycystic Kidney, Autosomal Dominant. Identifiers: MedGen C3149841, MONDO:0008263, OMIM 173900.
Polycystic kidney disease. Also called: Kidney, Polycystic; Polycystic kidney dysplasia. Identifiers: MedGen C0022680, MeSH D007690, MONDO:0020642, HP:0000113.

Allele frequency attached by ClinVar (database versions not stated): gnomAD exomes 0.00091 and 0.00255; ExAC 0.00304; gnomAD 0.00919 and 0.00982; TOPMed 0.00994; 1000 Genomes Project 0.01098; ESP Exome Variant Server 0.01187; 1000 Genomes Project 30x 0.01280.
gnomAD v4.1: 2,759 of 1,611,846 alleles (0.17%); highest among the groups gnomAD compares: African/African-American, 3.3%; 42 homozygotes.

Submissions (8):

Women's Health and Genetics/Laboratory Corporation of America, LabCorp
Classification: Benign. Last evaluated: 2025-04-25. Review status: criteria provided, single submitter. Criteria: LabCorp Variant Classification Summary - May 2015. Collection method: clinical testing. Allele origin: germline.

Mayo Clinic Laboratories, Mayo Clinic
Classification: Benign. Last evaluated: 2023-02-10. Review status: criteria provided, single submitter. Criteria: ACMG Guidelines, 2015. Collection method: clinical testing. Allele origin: germline. Observed: 10 variant alleles.
Comment: BS1, BS2, BP4, BP7

Athena Diagnostics
Classification: Benign. Last evaluated: 2020-08-18. Review status: criteria provided, single submitter. Criteria: Athena Diagnostics Criteria. Collection method: clinical testing. Allele origin: unknown.

ARUP Laboratories, Molecular Genetics and Genomics, ARUP Laboratories
Classification: Benign for Polycystic kidney disease, adult type. Last evaluated: 2019-11-02. Review status: criteria provided, single submitter. Criteria: ARUP Molecular Germline Variant Investigation Process. Collection method: clinical testing. Allele origin: germline.

GeneDx
Classification: Benign. Last evaluated: 2019-10-29. Review status: criteria provided, single submitter. Criteria: GeneDx Variant Classification Process June 2021. Collection method: clinical testing. Allele origin: germline. Affected: yes.

Breakthrough Genomics
Classification: Benign. Review status: criteria provided, single submitter. Criteria: ACMG Guidelines, 2015. Collection method: not provided. Allele origin: germline. Inheritance: Autosomal dominant inheritance. Affected: yes.

PreventionGenetics, part of Exact Sciences
Classification: Benign. Review status: criteria provided, single submitter. Criteria: ACMG Guidelines, 2015. Collection method: clinical testing. Allele origin: germline.

Department of Pathology and Laboratory Medicine, Sinai Health System
Classification: Benign for Polycystic Kidney disease. Review status: no assertion criteria provided. Collection method: clinical testing. Allele origin: unknown. Affected: yes. Observed: 1 variant allele. Study: The Canadian Open Genetics Repository (COGR). Not counted in ClinVar's aggregate classification.

NM_001009944.3(PKD1):c.4302C>T (p.Ile1434=)

Gene: PKD1 (polycystin 1, transient receptor potential channel interacting; minus strand). Cytogenetic location: 16p13.3.
Variant type: single nucleotide variant.
Coding change: c.4302C>T on transcript NM_001009944.3 (MANE Select); coding-DNA position 4302, C replaced by T.
Protein change: p.Ile1434=; no amino-acid change (isoleucine 1434 retained).
Molecular consequence: synonymous variant.
Genome position (GRCh38, 1-based): chr16:2,110,865, G>A on the plus strand (C>T on the coding strand, the complement: PKD1 is on the minus strand). VCF-style: chr16-2110865-G-A. GRCh37 (hg19) VCF-style: chr16-2160866-G-A.
Other names: p.Ile1434=; c.4302C>T, p.Ile1434= (NM_000296.4).
Identifiers: ClinVar variation 256965 (VCV000256965.17), dbSNP rs78509585, ClinGen allele CA7832417.